The following is an entry in ClinVar:

NM_005228.5(EGFR):c.593G>A (p.Ser198Asn)

Gene: EGFR (epidermal growth factor receptor; plus strand). Cytogenetic location: 7p11.2.
Variant type: single nucleotide variant.
Coding change: c.593G>A on transcript NM_005228.5 (MANE Select); coding-DNA position 593, G replaced by A.
Protein change: p.Ser198Asn; replaces serine 198 with asparagine.
Molecular consequence: missense variant. On other transcripts: intron variant (1).
Genome position (GRCh38, 1-based): chr7:55,151,327, G>A. VCF-style: chr7-55151327-G-A. GRCh37 (hg19) VCF-style: chr7-55219020-G-A.
Other names: c.593G>A (NM_005228.3); c.458G>A, p.Ser153Asn (NM_001346897.2, NM_001346899.2); c.593G>A, p.Ser198Asn (NM_001346898.2, NM_201282.2, NM_201283.2 and 1 more transcripts); c.434G>A, p.Ser145Asn (NM_001346900.2); c.89-4503G>A (NM_001346941.2); short protein forms S198N, S145N, S153N.
Identifiers: ClinVar variation 1392403 (VCV001392403.9), dbSNP rs1335854310, ClinGen allele CA367576858.

ClinVar aggregate classification (germline): Uncertain significance. Review status: criteria provided, multiple submitters, no conflicts (2 of 4 stars). 2 submissions from 2 submitters: Uncertain significance (2). Last evaluated 2025-03-06.

Conditions:
Hereditary cancer-predisposing syndrome. Also called: Neoplastic Syndromes, Hereditary; Hereditary neoplastic syndrome; Tumor predisposition; Hereditary Cancer Syndrome. Identifiers: Orphanet 140162, MedGen C0027672, MeSH D009386, MONDO:0015356.
EGFR-related lung cancer (EGFR). Identifiers: MedGen CN130014.

Allele frequency attached by ClinVar (database versions not stated): gnomAD exomes 0.00001.
gnomAD v4.1: 7 of 1,614,226 alleles (0.00043%); highest among the groups gnomAD compares: Non-Finnish European, 0.00059%; no homozygotes.

Submissions (2):

Ambry Genetics
Classification: Uncertain significance for Hereditary cancer-predisposing syndrome. Last evaluated: 2025-03-06. Review status: criteria provided, single submitter. Criteria: Ambry Variant Classification Scheme 2023. Collection method: clinical testing. Allele origin: germline.
Comment: The p.S198N variant (also known as c.593G>A), located in coding exon 5 of the EGFR gene, results from a G to A substitution at nucleotide position 593. The serine at codon 198 is replaced by asparagine, an amino acid with highly similar properties. This amino acid position is conserved. In addition, this alteration is predicted to be tolerated by in silico analysis. Based on the available evidence, the clinical significance of this variant remains unclear.

Labcorp Genetics (formerly Invitae), Labcorp
Classification: Uncertain significance for EGFR-related lung cancer. Last evaluated: 2024-03-02. Review status: criteria provided, single submitter. Criteria: Invitae Variant Classification Sherloc (09022015). Collection method: clinical testing. Allele origin: germline.
Comment: This sequence change replaces serine, which is neutral and polar, with asparagine, which is neutral and polar, at codon 198 of the EGFR protein (p.Ser198Asn). This variant is present in population databases (no rsID available, gnomAD 0.002%). This variant has not been reported in the literature in individuals affected with EGFR-related conditions. ClinVar contains an entry for this variant (Variation ID: 1392403). Advanced modeling of protein sequence and biophysical properties (such as structural, functional, and spatial information, amino acid conservation, physicochemical variation, residue mobility, and thermodynamic stability) performed at Invitae indicates that this missense variant is not expected to disrupt EGFR protein function with a negative predictive value of 80%. In summary, the available evidence is currently insufficient to determine the role of this variant in disease. Therefore, it has been classified as a Variant of Uncertain Significance.